The following is an entry in ClinVar:

NM_031433.4(MFRP):c.862G>A (p.Gly288Ser)

Genes: C1QTNF5 (C1q and TNF related 5; minus strand), MFRP (membrane frizzled-related protein; minus strand). Cytogenetic location: 11q23.3.
Variant type: single nucleotide variant.
Coding change: c.862G>A on transcript NM_031433.4 (MANE Select); coding-DNA position 862, G replaced by A.
Protein change: p.Gly288Ser; replaces glycine 288 with serine.
Molecular consequence: missense variant. On other transcripts: 5 prime UTR variant (1).
Genome position (GRCh38, 1-based): chr11:119,344,668, C>T on the plus strand (G>A on the coding strand, the complement: MFRP is on the minus strand). VCF-style: chr11-119344668-C-T. GRCh37 (hg19) VCF-style: chr11-119215378-C-T.
Other names: c.-1775G>A (NM_015645.5); short protein forms G288S.
Identifiers: ClinVar variation 2181748 (VCV002181748.2), dbSNP rs200647939, ClinGen allele CA6320371.

ClinVar aggregate classification (germline): Conflicting classifications of pathogenicity. Review status: criteria provided, conflicting classifications (1 of 4 stars). 2 submissions from 2 submitters: Uncertain significance (1); Likely benign (1). Last evaluated 2024-02-09.

Conditions:
Isolated microphthalmia 5. Also called: Posterior Microphthalmia with Retinitis Pigmentosa, Foveoschisis, and Optic Disc Drusen. Identifiers: Orphanet 251279, MedGen C1970236, MONDO:0012605, OMIM 611040.

Allele frequency attached by ClinVar (database versions not stated): TOPMed 0.00005; ExAC 0.00007; gnomAD exomes 0.00009; gnomAD 0.00007; 1000 Genomes Project 30x 0.00016; 1000 Genomes Project 0.00020.
gnomAD v4.1: 142 of 1,614,054 alleles (0.0088%); highest among the groups gnomAD compares: East Asian, 0.21%; no homozygotes.

Submissions (2):

Blueprint Genetics
Classification: Likely benign. Last evaluated: 2024-02-09. Review status: criteria provided, single submitter. Criteria: ACMG Guidelines, 2015. Collection method: clinical testing. Allele origin: germline.

Labcorp Genetics (formerly Invitae), Labcorp
Classification: Uncertain significance for Isolated microphthalmia 5. Last evaluated: 2022-10-13. Review status: criteria provided, single submitter. Criteria: Invitae Variant Classification Sherloc (09022015). Collection method: clinical testing. Allele origin: germline.
Comment: This sequence change replaces glycine, which is neutral and non-polar, with serine, which is neutral and polar, at codon 288 of the MFRP protein (p.Gly288Ser). This variant is present in population databases (rs200647939, gnomAD 0.07%). This variant has not been reported in the literature in individuals affected with MFRP-related conditions. Advanced modeling of protein sequence and biophysical properties (such as structural, functional, and spatial information, amino acid conservation, physicochemical variation, residue mobility, and thermodynamic stability) performed at Invitae indicates that this missense variant is not expected to disrupt MFRP protein function. In summary, the available evidence is currently insufficient to determine the role of this variant in disease. Therefore, it has been classified as a Variant of Uncertain Significance.